The following is an entry in ClinVar:

NM_000719.7(CACNA1C):c.4336C>G (p.Pro1446Ala)

Gene: CACNA1C (calcium voltage-gated channel subunit alpha1 C; plus strand). Cytogenetic location: 12p13.33.
Variant type: single nucleotide variant.
Coding change: c.4336C>G on transcript NM_000719.7 (MANE Select); coding-DNA position 4336, C replaced by G.
Protein change: p.Pro1446Ala; replaces proline 1446 with alanine.
Molecular consequence: missense variant.
Genome position (GRCh38, 1-based): chr12:2,664,928, C>G. VCF-style: chr12-2664928-C-G. GRCh37 (hg19) VCF-style: chr12-2774094-C-G.
Other names: c.4480C>G, p.Pro1494Ala (NM_001129827.2, NM_199460.4); c.4402C>G, p.Pro1468Ala (NM_001129829.2); c.4336C>G, p.Pro1446Ala (NM_001129830.3, NM_001129833.2, NM_001129834.2 and 7 more transcripts); c.4420C>G, p.Pro1474Ala (NM_001129831.2); c.4396C>G, p.Pro1466Ala (NM_001129832.2); c.4387C>G, p.Pro1463Ala (NM_001129836.2); c.4303C>G, p.Pro1435Ala (NM_001129837.2, NM_001129838.2, NM_001129846.2 and 1 more transcripts); c.4297C>G, p.Pro1433Ala (NM_001129839.2); and 1 more; short protein forms P1466A, P1433A, P1463A, P1474A, P1446A, P1435A, P1443A, P1468A.
Identifiers: ClinVar variation 640571 (VCV000640571.9), dbSNP rs758143691, ClinGen allele CA6389530.

ClinVar aggregate classification (germline): Uncertain significance (1 of 4 stars; one submission).

Conditions:
Long QT syndrome (LQTS). Identifiers: MedGen C0023976, MeSH D008133, MONDO:0002442. Disease mechanism: loss of function. Inheritance: Various modes of inheritance.

Allele frequency attached by ClinVar (database versions not stated): ExAC 0.00001.
gnomAD v4.1: 2 of 1,614,132 alleles (0.00012%); highest among the groups gnomAD compares: Non-Finnish European, 0.00017%; no homozygotes.

Submission:

Labcorp Genetics (formerly Invitae), Labcorp
Classification: Uncertain significance for Long QT syndrome. Last evaluated: 2025-06-01. Review status: criteria provided, single submitter. Criteria: Invitae Variant Classification Sherloc (09022015). Collection method: clinical testing. Allele origin: germline.
Comment: This sequence change replaces proline, which is neutral and non-polar, with alanine, which is neutral and non-polar, at codon 1446 of the CACNA1C protein (p.Pro1446Ala). This variant is present in population databases (rs758143691, gnomAD 0.0009%). This variant has not been reported in the literature in individuals affected with CACNA1C-related conditions. ClinVar contains an entry for this variant (Variation ID: 640571). Invitae Evidence Modeling of protein sequence and biophysical properties (such as structural, functional, and spatial information, amino acid conservation, physicochemical variation, residue mobility, and thermodynamic stability) indicates that this missense variant is not expected to disrupt CACNA1C protein function with a negative predictive value of 95%. In summary, the available evidence is currently insufficient to determine the role of this variant in disease. Therefore, it has been classified as a Variant of Uncertain Significance.